The following is an entry in ClinVar:

ClinVar aggregate classification (germline): Uncertain significance. Review status: criteria provided, multiple submitters, no conflicts (2 of 4 stars). 2 submissions from 2 submitters: Uncertain significance (2). Last evaluated 2025-08-03.

Conditions:
Inborn genetic diseases. Identifiers: MedGen C0950123, MeSH D030342.
Hereditary spastic paraplegia 39 (SPG39). Also called: SPASTIC PARAPLEGIA 39, AUTOSOMAL RECESSIVE; Spastic Paraplegia Type 39 (SPG39). Identifiers: Orphanet 139480, MedGen C2677586, MONDO:0012787, OMIM 612020.

Allele frequency attached by ClinVar (database versions not stated): gnomAD 0.00001; TOPMed 0.00002.

Submissions (2):

Ambry Genetics
Classification: Uncertain significance for Inborn genetic diseases. Last evaluated: 2025-08-03. Review status: criteria provided, single submitter. Criteria: Ambry Variant Classification Scheme 2023. Collection method: clinical testing. Allele origin: germline.

Labcorp Genetics (formerly Invitae), Labcorp
Classification: Uncertain significance for Hereditary spastic paraplegia 39. Last evaluated: 2020-08-18. Review status: criteria provided, single submitter. Criteria: Invitae Variant Classification Sherloc (09022015). Collection method: clinical testing. Allele origin: germline.
Comment: In summary, the available evidence is currently insufficient to determine the role of this variant in disease. Therefore, it has been classified as a Variant of Uncertain Significance. Algorithms developed to predict the effect of missense changes on protein structure and function (SIFT, PolyPhen-2, Align-GVGD) all suggest that this variant is likely to be tolerated, but these predictions have not been confirmed by published functional studies and their clinical significance is uncertain. This variant has not been reported in the literature in individuals with PNPLA6-related conditions. This variant is not present in population databases (ExAC no frequency). This sequence change replaces arginine with lysine at codon 321 of the PNPLA6 protein (p.Arg321Lys). The arginine residue is moderately conserved and there is a small physicochemical difference between arginine and lysine.

NM_001166114.2(PNPLA6):c.1079G>A (p.Arg360Lys)

Gene: PNPLA6 (patatin like domain 6, lysophospholipase; plus strand). Cytogenetic location: 19p13.2.
Variant type: single nucleotide variant.
Coding change: c.1079G>A on transcript NM_001166114.2 (MANE Select); coding-DNA position 1079, G replaced by A.
Protein change: p.Arg360Lys; replaces arginine 360 with lysine.
Molecular consequence: missense variant.
Genome position (GRCh38, 1-based): chr19:7,541,595, G>A. VCF-style: chr19-7541595-G-A. GRCh37 (hg19) VCF-style: chr19-7606481-G-A.
Other names: c.962G>A (NM_006702.4); c.1106G>A, p.Arg369Lys (NM_001166111.2); c.962G>A, p.Arg321Lys (NM_001166112.2, NM_001166113.1, NM_006702.5); short protein forms R321K, R360K, R369K.
Identifiers: ClinVar variation 1001522 (VCV001001522.9), dbSNP rs948393107, ClinGen allele CA304864551.